The following is an entry in ClinVar:

NM_006739.4(MCM5):c.485G>A (p.Arg162His)

Gene: MCM5 (minichromosome maintenance complex component 5; plus strand). Cytogenetic location: 22q12.3.
Variant type: single nucleotide variant.
Coding change: c.485G>A on transcript NM_006739.4 (MANE Select); coding-DNA position 485, G replaced by A.
Protein change: p.Arg162His; replaces arginine 162 with histidine.
Molecular consequence: missense variant.
Genome position (GRCh38, 1-based): chr22:35,406,614, G>A. VCF-style: chr22-35406614-G-A. GRCh37 (hg19) VCF-style: chr22-35802607-G-A.
Other names: short protein forms R162H.
Identifiers: ClinVar variation 3666929 (VCV003666929.2).
Genomic context (GRCh38, chr22:35,406,614, plus strand): 5'-CGGACATGATGTCACACCTGGTGAAGATCCCTGGCATCATCATCGCGGCCTCTGCGGTCC[G>A]TGCCAAGGCCACCCGCATCTCTATCCAGTGCCGCAGCTGCCGCAACACCCTCACCAACAT-3'
Protein context (NP_006730.2, residues 152-172): PGIIIAASAV[Arg162His]AKATRISIQC

ClinVar aggregate classification (germline): Uncertain significance (1 of 4 stars; one submission).

gnomAD v4.1: 21 of 1,613,426 alleles (0.0013%); highest among the groups gnomAD compares: Admixed American, 0.0083%; no homozygotes.

Submission:

Labcorp Genetics (formerly Invitae), Labcorp
Classification: Uncertain significance. Last evaluated: 2025-06-19. Review status: criteria provided, single submitter. Criteria: Invitae Variant Classification Sherloc (09022015). Collection method: clinical testing. Allele origin: germline.
Comment: This sequence change replaces arginine, which is basic and polar, with histidine, which is basic and polar, at codon 162 of the MCM5 protein (p.Arg162His). This variant is present in population databases (rs749774879, gnomAD 0.01%). This variant has not been reported in the literature in individuals affected with MCM5-related conditions. ClinVar contains an entry for this variant (Variation ID: 3666929). Invitae Evidence Modeling of protein sequence and biophysical properties (such as structural, functional, and spatial information, amino acid conservation, physicochemical variation, residue mobility, and thermodynamic stability) indicates that this missense variant is not expected to disrupt MCM5 protein function with a negative predictive value of 80%. In summary, the available evidence is currently insufficient to determine the role of this variant in disease. Therefore, it has been classified as a Variant of Uncertain Significance.